The following is an entry in ClinVar:

NM_000051.4(ATM):c.6978del (p.Asn2326fs)

Genes: ATM (ATM serine/threonine kinase; plus strand), C11orf65 (chromosome 11 open reading frame 65; minus strand). Cytogenetic location: 11q22.3.
Variant type: Deletion.
Coding change: c.6978del on transcript NM_000051.4 (MANE Select); coding-DNA position 6978, one base deleted (C; older notation c.6978delC).
Protein change: p.Asn2326fs; shifts the reading frame from asparagine 2326.
Molecular consequence: frameshift variant. On other transcripts: intron variant (2).
Genome position (GRCh38, 1-based): chr11:108,327,647, C deleted. VCF-style (leftmost placement, unchanged base first): chr11-108327646-AC-A. GRCh37 (hg19) VCF-style: chr11-108198373-AC-A.
Other names: c.6978del, p.Asn2326fs (NM_001351834.2); c.641-18576del (NM_001330368.2); c.*38+7573del (NM_001351110.2); short protein forms N2326fs.
Identifiers: ClinVar variation 3637945 (VCV003637945.2).

ClinVar aggregate classification (germline): Pathogenic (1 of 4 stars; one submission).

Conditions:
Ataxia-telangiectasia syndrome (AT). Also called: Ataxia-telangiectasia, complementation group D; AT, COMPLEMENTATION GROUP C; ATAXIA-TELANGIECTASIA, COMPLEMENTATION GROUP A; ATAXIA-TELANGIECTASIA, FRESNO VARIANT; Ataxia-telangiectasia; Ataxia-telangiectasia, complementation group E. Identifiers: Orphanet 100, MedGen C0004135, MONDO:0008840, OMIM 208900.

Submission:

Labcorp Genetics (formerly Invitae), Labcorp
Classification: Pathogenic for Ataxia-telangiectasia syndrome. Last evaluated: 2024-02-01. Review status: criteria provided, single submitter. Criteria: Invitae Variant Classification Sherloc (09022015). Collection method: clinical testing. Allele origin: germline.
Comment: This sequence change creates a premature translational stop signal (p.Asn2326Lysfs*5) in the ATM gene. It is expected to result in an absent or disrupted protein product. Loss-of-function variants in ATM are known to be pathogenic (PMID: 23807571, 25614872). This variant is not present in population databases (gnomAD no frequency). This variant has not been reported in the literature in individuals affected with ATM-related conditions. For these reasons, this variant has been classified as Pathogenic.

Literature cited by the submitters: PubMed 23807571; PubMed 25614872.